The following is an entry in ClinVar:

NM_003801.4(GPAA1):c.137A>G (p.Gln46Arg)

Gene: GPAA1 (glycosylphosphatidylinositol anchor attachment 1; plus strand). Cytogenetic location: 8q24.3.
Variant type: single nucleotide variant.
Coding change: c.137A>G on transcript NM_003801.4 (MANE Select); coding-DNA position 137, A replaced by G.
Protein change: p.Gln46Arg; replaces glutamine 46 with arginine.
Molecular consequence: missense variant.
Genome position (GRCh38, 1-based): chr8:144,083,186, A>G. VCF-style: chr8-144083186-A-G. GRCh37 (hg19) VCF-style: chr8-145138089-A-G.
Other names: c.137A>G (NM_003801.3); short protein forms Q46R.
Identifiers: ClinVar variation 1429721 (VCV001429721.6), dbSNP rs1835936525, ClinGen allele CA372597480.
Genomic context (GRCh38, chr8:144,083,186, plus strand): 5'-TGCTGAGCTACGTGGCGGGCATCGCCTGGTTCTTGGCGCTGGTTTTCCCGCCGCTGACCC[A>G]GCGCACTTACATGTCGGAGAACGCCATGGGCTCCACCATGGTGGAGGAGCAGTTTGCGGG-3'
Protein context (NP_003792.1, residues 36-56): FLALVFPPLT[Gln46Arg]RTYMSENAMG

ClinVar aggregate classification (germline): Uncertain significance. Review status: criteria provided, multiple submitters, no conflicts (2 of 4 stars). 2 submissions from 2 submitters: Uncertain significance (2). Last evaluated 2025-08-25.

Conditions:
Inborn genetic diseases. Identifiers: MedGen C0950123, MeSH D030342.

Allele frequency attached by ClinVar (database versions not stated): gnomAD 0.00001; gnomAD exomes 0.00001; TOPMed 0.00002.
gnomAD v4.1: 23 of 1,612,944 alleles (0.0014%); highest among the groups gnomAD compares: Non-Finnish European, 0.0018%; no homozygotes.

Submissions (2):

Ambry Genetics
Classification: Uncertain significance for Inborn genetic diseases. Last evaluated: 2025-08-25. Review status: criteria provided, single submitter. Criteria: Ambry Variant Classification Scheme 2023. Collection method: clinical testing. Allele origin: germline.

Labcorp Genetics (formerly Invitae), Labcorp
Classification: Uncertain significance. Last evaluated: 2022-01-14. Review status: criteria provided, single submitter. Criteria: Invitae Variant Classification Sherloc (09022015). Collection method: clinical testing. Allele origin: germline.
Comment: This sequence change replaces glutamine, which is neutral and polar, with arginine, which is basic and polar, at codon 46 of the GPAA1 protein (p.Gln46Arg). This variant is not present in population databases (gnomAD no frequency). This variant has not been reported in the literature in individuals affected with GPAA1-related conditions. Algorithms developed to predict the effect of missense changes on protein structure and function (SIFT, PolyPhen-2, Align-GVGD) all suggest that this variant is likely to be tolerated. In summary, the available evidence is currently insufficient to determine the role of this variant in disease. Therefore, it has been classified as a Variant of Uncertain Significance.